The following is an entry in ClinVar:

ClinVar aggregate classification (germline): Uncertain significance (1 of 4 stars; one submission).

Conditions:
Infantile-onset X-linked spinal muscular atrophy. Also called: Spinal muscular atrophy, X-linked 2; SPINAL MUSCULAR ATROPHY, X-LINKED LETHAL INFANTILE; Spinal Muscular Atrophy, X-Linked Infantile; ARTHROGRYPOSIS, X-LINKED, TYPE I; AMC, DISTAL, X-LINKED. Identifiers: Orphanet 1145, MedGen C1844934, MONDO:0010532, OMIM 301830.

Allele frequency attached by ClinVar (database versions not stated): gnomAD exomes below 0.00001; gnomAD 0.00001; TOPMed 0.00001.
gnomAD v4.1: 2 of 1,208,523 alleles (0.00017%); highest among the groups gnomAD compares: Non-Finnish European, 0.00022%; no homozygotes.

Submission:

Labcorp Genetics (formerly Invitae), Labcorp
Classification: Uncertain significance for Infantile-onset X-linked spinal muscular atrophy. Last evaluated: 2023-08-16. Review status: criteria provided, single submitter. Criteria: Invitae Variant Classification Sherloc (09022015). Collection method: clinical testing. Allele origin: germline.
Comment: This sequence change replaces alanine, which is neutral and non-polar, with valine, which is neutral and non-polar, at codon 831 of the UBA1 protein (p.Ala831Val). In summary, the available evidence is currently insufficient to determine the role of this variant in disease. Therefore, it has been classified as a Variant of Uncertain Significance. An algorithm developed to predict the effect of missense changes on protein structure and function (PolyPhen-2) suggests that this variant is likely to be tolerated. This variant has not been reported in the literature in individuals affected with UBA1-related conditions. This variant is not present in population databases (gnomAD no frequency).

NM_003334.4(UBA1):c.2492C>T (p.Ala831Val)

Gene: UBA1 (ubiquitin like modifier activating enzyme 1; plus strand). Cytogenetic location: Xp11.3.
Variant type: single nucleotide variant.
Coding change: c.2492C>T on transcript NM_003334.4 (MANE Select); coding-DNA position 2492, C replaced by T.
Protein change: p.Ala831Val; replaces alanine 831 with valine.
Molecular consequence: missense variant.
Genome position (GRCh38, 1-based): chrX:47,212,451, C>T. VCF-style: chrX-47212451-C-T. GRCh37 (hg19) VCF-style: chrX-47071850-C-T.
Other names: c.2492C>T, p.Ala831Val (NM_153280.3); short protein forms A831V.
Identifiers: ClinVar variation 2895159 (VCV002895159.3), dbSNP rs1384682648, ClinGen allele CA412809353.
Genomic context (GRCh38, chrX:47,212,451, plus strand): 5'-TAAAGGGCTGACAGTGTCCCTTTCTTCATGCAGATGACAGTCGTCTAGAGGAGCTCAAAG[C>T]CACTCTGCCCAGCCCAGACAAGCTCCCTGGATTCAAGATGTACCCCATTGACTTTGAGAA-3'
Protein context (NP_003325.2, residues 821-841): VDDSRLEELK[Ala831Val]TLPSPDKLPG